The following is an entry in ClinVar:

ClinVar aggregate classification (germline): Uncertain significance (1 of 4 stars; one submission).

Conditions:
Dilated cardiomyopathy 1W (CMD1W). Identifiers: Orphanet 154, MedGen C1969639, MONDO:0012667, OMIM 611407.

Submission:

Labcorp Genetics (formerly Invitae), Labcorp
Classification: Uncertain significance for Dilated cardiomyopathy 1W. Last evaluated: 2021-10-06. Review status: criteria provided, single submitter. Criteria: Invitae Variant Classification Sherloc (09022015). Collection method: clinical testing. Allele origin: germline.
Comment: This sequence change replaces lysine with asparagine at codon 162 of the VCL protein (p.Lys162Asn). The lysine residue is highly conserved and there is a moderate physicochemical difference between lysine and asparagine. This variant is not present in population databases (ExAC no frequency). This variant has not been reported in the literature in individuals affected with VCL-related conditions. Algorithms developed to predict the effect of missense changes on protein structure and function are either unavailable or do not agree on the potential impact of this missense change (SIFT: "Not Available"; PolyPhen-2: "Probably Damaging"; Align-GVGD: "Not Available"). In summary, the available evidence is currently insufficient to determine the role of this variant in disease. Therefore, it has been classified as a Variant of Uncertain Significance.

NM_014000.3(VCL):c.486G>T (p.Lys162Asn)

Gene: VCL (vinculin; plus strand). Cytogenetic location: 10q22.2.
Variant type: single nucleotide variant.
Coding change: c.486G>T on transcript NM_014000.3 (MANE Select); coding-DNA position 486, G replaced by T.
Protein change: p.Lys162Asn; replaces lysine 162 with asparagine.
Molecular consequence: missense variant.
Genome position (GRCh38, 1-based): chr10:74,071,070, G>T. VCF-style: chr10-74071070-G-T. GRCh37 (hg19) VCF-style: chr10-75830828-G-T.
Other names: c.486G>T, p.Lys162Asn (NM_003373.4); short protein forms K162N.
Identifiers: ClinVar variation 1384902 (VCV001384902.6), dbSNP rs1841656671, ClinGen allele CA377266813.